The following is an entry in ClinVar:

NM_003119.4(SPG7):c.1324+4143C>T

Gene: SPG7 (SPG7 matrix AAA peptidase subunit, paraplegin; plus strand). Cytogenetic location: 16q24.3.
Variant type: single nucleotide variant.
Coding change: c.1324+4143C>T on transcript NM_003119.4 (MANE Select); 4143 bases into the intron after coding-DNA position 1324, C replaced by T.
Molecular consequence: intron variant. On other transcripts: nonsense (1).
Genome position (GRCh38, 1-based): chr16:89,536,779, C>T. VCF-style: chr16-89536779-C-T. GRCh37 (hg19) VCF-style: chr16-89603187-C-T.
Other names: c.1339C>T, p.Gln447Ter (NM_199367.3); c.1324+4143C>T (NM_001363850.1); c.1339C>T (NM_199367.2); short protein forms Q447*.
Identifiers: ClinVar variation 2504654 (VCV002504654.2), dbSNP rs2543786803, ClinGen allele CA397422976.

ClinVar aggregate classification (germline): Uncertain significance. Review status: criteria provided, multiple submitters, no conflicts (2 of 4 stars). 2 submissions from 2 submitters: Uncertain significance (2). Last evaluated 2022-12-12.

Conditions:
SPG7-related disorder. Also called: SPG7-related condition.

gnomAD v4.1: 1 of 1,614,062 alleles (0.000062%); highest among the groups gnomAD compares: Non-Finnish European, 0.000085%; no homozygotes.

Submissions (2):

GeneDx
Classification: Uncertain significance. Last evaluated: 2022-12-12. Review status: criteria provided, single submitter. Criteria: GeneDx Variant Classification Process June 2021. Collection method: clinical testing. Allele origin: germline. Affected: yes.
Comment: Nonsense variant predicted to result in protein truncation or nonsense mediated decay in a gene or region of a gene for which loss of function is not a well-established mechanism of disease; Not observed at significant frequency in large population cohorts (gnomAD); Has not been previously published as pathogenic or benign to our knowledge

PreventionGenetics, part of Exact Sciences
Classification: Uncertain significance for SPG7-related condition. Last evaluated: 2022-08-23. Review status: criteria provided, single submitter. Criteria: ACMG Guidelines, 2015. Collection method: clinical testing. Allele origin: germline.
Comment: The SPG7 c.1339C>T variant is predicted to result in premature protein termination (p.Gln447*). This variant is a deep intronic variant in alternate transcript NM_003119.3. To our knowledge, this variant has not been reported in the literature or in a large population database, indicating this variant is rare. At this time, the clinical significance of this variant is uncertain due to the absence of conclusive functional and genetic evidence.